The following is an entry in ClinVar:

NM_024989.4(PGAP1):c.334G>T (p.Ala112Ser)

Gene: PGAP1 (post-GPI attachment to proteins inositol deacylase 1; minus strand). Cytogenetic location: 2q33.1.
Variant type: single nucleotide variant.
Coding change: c.334G>T on transcript NM_024989.4 (MANE Select); coding-DNA position 334, G replaced by T.
Protein change: p.Ala112Ser; replaces alanine 112 with serine.
Molecular consequence: missense variant. On other transcripts: 5 prime UTR variant (2).
Genome position (GRCh38, 1-based): chr2:196,916,561, C>A on the plus strand (G>T on the coding strand, the complement: PGAP1 is on the minus strand). VCF-style: chr2-196916561-C-A. GRCh37 (hg19) VCF-style: chr2-197781285-C-A.
Other names: c.-189G>T (NM_001321099.2); c.-778G>T (NM_001321100.2); short protein forms A112S.
Identifiers: ClinVar variation 1896863 (VCV001896863.5), dbSNP rs2468719375, ClinGen allele CA350181001.

ClinVar aggregate classification (germline): Uncertain significance (1 of 4 stars; one submission).

Conditions:
Intellectual disability, autosomal recessive 42 (NEDDSBA). Also called: Neurodevelopmental disorder with dysmorphic features, spasticity, and brain abnormalities; GLYCOSYLPHOSPHATIDYLINOSITOL BIOSYNTHESIS DEFECT 9. Identifiers: Orphanet 88616, MedGen C4014343, MONDO:0014348, OMIM 615802.

Allele frequency attached by ClinVar (database versions not stated): gnomAD exomes below 0.00001.
gnomAD v4.1: 1 of 1,612,476 alleles (0.000062%); highest among the groups gnomAD compares: Non-Finnish European, 0.000085%; no homozygotes.

Submission:

Labcorp Genetics (formerly Invitae), Labcorp
Classification: Uncertain significance for Intellectual disability, autosomal recessive 42. Last evaluated: 2022-02-18. Review status: criteria provided, single submitter. Criteria: Invitae Variant Classification Sherloc (09022015). Collection method: clinical testing. Allele origin: germline.
Comment: Algorithms developed to predict the effect of missense changes on protein structure and function are either unavailable or do not agree on the potential impact of this missense change (SIFT: "Tolerated"; PolyPhen-2: "Possibly Damaging"; Align-GVGD: "Class C0"). This variant has not been reported in the literature in individuals affected with PGAP1-related conditions. This variant is not present in population databases (gnomAD no frequency). This sequence change replaces alanine, which is neutral and non-polar, with serine, which is neutral and polar, at codon 112 of the PGAP1 protein (p.Ala112Ser). In summary, the available evidence is currently insufficient to determine the role of this variant in disease. Therefore, it has been classified as a Variant of Uncertain Significance.